The following is an entry in ClinVar:

ClinVar aggregate classification (germline): Uncertain significance (1 of 4 stars; one submission).

Submission:

Labcorp Genetics (formerly Invitae), Labcorp
Classification: Uncertain significance. Last evaluated: 2021-05-27. Review status: criteria provided, single submitter. Criteria: Invitae Variant Classification Sherloc (09022015). Collection method: clinical testing. Allele origin: germline.
Comment: In summary, the available evidence is currently insufficient to determine the role of this variant in disease. Therefore, it has been classified as a Variant of Uncertain Significance. Algorithms developed to predict the effect of missense changes on protein structure and function (SIFT, PolyPhen-2, Align-GVGD) all suggest that this variant is likely to be tolerated, but these predictions have not been confirmed by published functional studies and their clinical significance is uncertain. This variant has not been reported in the literature in individuals with SLC24A1-related conditions. This variant is not present in population databases (ExAC no frequency). This sequence change replaces isoleucine with valine at codon 518 of the SLC24A1 protein (p.Ile518Val). The isoleucine residue is moderately conserved and there is a small physicochemical difference between isoleucine and valine.

NM_004727.3(SLC24A1):c.1552A>G (p.Ile518Val)

Gene: SLC24A1 (solute carrier family 24 member 1; plus strand). Cytogenetic location: 15q22.31.
Variant type: single nucleotide variant.
Coding change: c.1552A>G on transcript NM_004727.3 (MANE Select); coding-DNA position 1552, A replaced by G.
Protein change: p.Ile518Val; replaces isoleucine 518 with valine.
Molecular consequence: missense variant.
Genome position (GRCh38, 1-based): chr15:65,625,632, A>G. VCF-style: chr15-65625632-A-G. GRCh37 (hg19) VCF-style: chr15-65917970-A-G.
Other names: c.1552A>G, p.Ile518Val (NM_001301031.1, NM_001301032.1, NM_001301033.2); short protein forms I518V.
Identifiers: ClinVar variation 1026997 (VCV001026997.8), dbSNP rs2074485587, ClinGen allele CA392917860.
Genomic context (GRCh38, chr15:65,625,632, plus strand): 5'-ACATTCATGGCTGCTGGAGGCTCTGCTCCTGAGCTCTTCACCTCCCTCATCGGTGTCTTC[A>G]TTTCCCACAGCAACGTGGGCATTGGTACCATTGTGGGCTCTGCTGTGTTCAACATTCTCT-3'
Protein context (NP_004718.1, residues 508-528): ELFTSLIGVF[Ile518Val]SHSNVGIGTI